The following is an entry in ClinVar:

ClinVar aggregate classification (germline): Conflicting classifications of pathogenicity. Review status: criteria provided, conflicting classifications (1 of 4 stars). 6 submissions from 6 submitters: Uncertain significance (5); Likely benign (1). Last evaluated 2026-08-07.

Conditions:
Sitosterolemia (STSL). Also called: PHYTOSTEROLEMIA. Identifiers: Orphanet 2882, MedGen C0342907, MONDO:0008863.
Sitosterolemia 2. Identifiers: MedGen C5231453, MONDO:0020748, OMIM 618666.
Cardiovascular phenotype. Identifiers: MedGen CN230736.

Allele frequency attached by ClinVar (database versions not stated): TOPMed 0.00010; 1000 Genomes Project 30x 0.00016.
gnomAD v4.1: 107 of 1,602,512 alleles (0.0067%); highest among the groups gnomAD compares: Middle Eastern, 0.034%; no homozygotes.

Submissions (6):

Ambry Genetics
Classification: Likely benign for Cardiovascular phenotype. Last evaluated: 2026-08-07. Review status: criteria provided, single submitter. Criteria: Ambry Variant Classification Scheme 2023. Collection method: clinical testing. Allele origin: germline.

Women's Health and Genetics/Laboratory Corporation of America, LabCorp
Classification: Uncertain significance. Last evaluated: 2025-09-15. Review status: criteria provided, single submitter. Criteria: LabCorp Variant Classification Summary - May 2015. Collection method: clinical testing. Allele origin: germline.
Comment: Variant summary: ABCG5 c.139G>A (p.Val47Ile) results in a conservative amino acid change in the encoded protein sequence. Algorithms developed to predict the effect of missense changes on protein structure and function are either unavailable or do not agree on the potential impact of this missense change. The variant allele was found at a frequency of 7.9e-05 in 226908 control chromosomes. This frequency is not significantly higher than estimated for disease-causing variants in ABCG5, allowing no conclusion about variant significance. To our knowledge, no occurrence of c.139G>A in individuals affected with ABCG5-related conditions and no experimental evidence demonstrating its impact on protein function have been reported. ClinVar contains an entry for this variant (Variation ID: 595518). Based on the evidence outlined above, the variant was classified as uncertain significance.

Labcorp Genetics (formerly Invitae), Labcorp
Classification: Uncertain significance for Sitosterolemia. Last evaluated: 2022-06-09. Review status: criteria provided, single submitter. Criteria: Invitae Variant Classification Sherloc (09022015). Collection method: clinical testing. Allele origin: germline.
Comment: This sequence change replaces valine, which is neutral and non-polar, with isoleucine, which is neutral and non-polar, at codon 47 of the ABCG5 protein (p.Val47Ile). This variant is present in population databases (rs72542426, gnomAD 0.04%). This variant has not been reported in the literature in individuals affected with ABCG5-related conditions. ClinVar contains an entry for this variant (Variation ID: 595518). Algorithms developed to predict the effect of missense changes on protein structure and function output the following: SIFT: "Tolerated"; PolyPhen-2: "Benign"; Align-GVGD: "Class C0". The isoleucine amino acid residue is found in multiple mammalian species, which suggests that this missense change does not adversely affect protein function. In summary, the available evidence is currently insufficient to determine the role of this variant in disease. Therefore, it has been classified as a Variant of Uncertain Significance.

Eurofins Ntd Llc (ga)
Classification: Uncertain significance. Last evaluated: 2017-12-29. Review status: criteria provided, single submitter. Criteria: EGL Classification Definitions 2015. Collection method: clinical testing. Allele origin: germline. Observed: 1 variant allele, 1 heterozygote.

Breakthrough Genomics
Classification: Uncertain significance. Review status: criteria provided, single submitter. Criteria: ACMG Guidelines, 2015. Collection method: not provided. Allele origin: germline. Inheritance: Autosomal recessive inheritance. Affected: yes.

ISTH-SSC Genomics in Thrombosis and Hemostasis, KU Leuven, Center for Molecular and Vascular Biology
Classification: Uncertain significance for Sitosterolemia 2. Review status: criteria provided, single submitter. Criteria: ACMG Guidelines, 2015. Collection method: clinical testing. Allele origin: germline. Affected: yes. Observed: 1 compound heterozygote.
Comment: Submitted to GoldVariant by Jose María Bastida and José Rivera; Grupo Español de Alteraciones Plaquetarias Congénitas (GEAPC)

NM_022436.3(ABCG5):c.139G>A (p.Val47Ile)

Gene: ABCG5 (ATP binding cassette subfamily G member 5; minus strand). Cytogenetic location: 2p21.
Variant type: single nucleotide variant.
Coding change: c.139G>A on transcript NM_022436.3 (MANE Select); coding-DNA position 139, G replaced by A.
Protein change: p.Val47Ile; replaces valine 47 with isoleucine.
Molecular consequence: missense variant.
Genome position (GRCh38, 1-based): chr2:43,838,541, C>T on the plus strand (G>A on the coding strand, the complement: ABCG5 is on the minus strand). VCF-style: chr2-43838541-C-T. GRCh37 (hg19) VCF-style: chr2-44065680-C-T.
Other names: c.139G>A (NM_022436.2); short protein forms V47I.
Identifiers: ClinVar variation 595518 (VCV000595518.15), dbSNP rs72542426, ClinGen allele CA1636793.